The following is an entry in ClinVar:

ClinVar aggregate classification (germline): Uncertain significance (1 of 4 stars; one submission).

gnomAD v4.1: 2 of 1,609,820 alleles (0.00012%); highest among the groups gnomAD compares: Admixed American, 0.0017%; no homozygotes.

Submission:

GeneDx
Classification: Uncertain significance. Last evaluated: 2020-01-13. Review status: criteria provided, single submitter. Criteria: GeneDx Variant Classification Process June 2021. Collection method: clinical testing. Allele origin: germline. Affected: yes.
Comment: Not observed in large population cohorts (Lek et al., 2016); In silico analysis, which includes protein predictors and evolutionary conservation, supports a deleterious effect; Has not been previously published as pathogenic or benign to our knowledge

NM_000231.3(SGCG):c.622G>A (p.Gly208Ser)

Gene: SGCG (sarcoglycan gamma; plus strand). Cytogenetic location: 13q12.12.
Variant type: single nucleotide variant.
Coding change: c.622G>A on transcript NM_000231.3 (MANE Select); coding-DNA position 622, G replaced by A.
Protein change: p.Gly208Ser; replaces glycine 208 with serine.
Molecular consequence: missense variant.
Genome position (GRCh38, 1-based): chr13:23,320,680, G>A. VCF-style: chr13-23320680-G-A. GRCh37 (hg19) VCF-style: chr13-23894819-G-A.
Other names: c.676G>A, p.Gly226Ser (NM_001378244.1); c.622G>A, p.Gly208Ser (NM_001378245.1, NM_001378246.1); short protein forms G208S, G226S.
Identifiers: ClinVar variation 1311849 (VCV001311849.2), dbSNP rs1221310096, ClinGen allele CA387502604.
Genomic context (GRCh38, chr13:23,320,680, plus strand): 5'-TCTTTTCCTCATCTCAGATTAGAATCCCCCACTCGGAGTCTAAGCATGGATGCCCCAAGG[G>A]GTGTGCATATTCAAGCTCACGCTGGGAAAATTGAGGCGCTTTCTCAAATGGATATTCTTT-3'
Protein context (NP_000222.2, residues 198-218): TRSLSMDAPR[Gly208Ser]VHIQAHAGKI